The following is an entry in ClinVar:

NM_000059.4(BRCA2):c.8829G>A (p.Gln2943=)

Gene: BRCA2 (BRCA2 DNA repair associated; plus strand). Cytogenetic location: 13q13.1.
Variant type: single nucleotide variant.
Coding change: c.8829G>A on transcript NM_000059.4 (MANE Select); coding-DNA position 8829, G replaced by A.
Protein change: p.Gln2943=; no amino-acid change (glutamine 2943 retained).
Molecular consequence: synonymous variant.
Genome position (GRCh38, 1-based): chr13:32,379,391, G>A. VCF-style: chr13-32379391-G-A. GRCh37 (hg19) VCF-style: chr13-32953528-G-A.
Identifiers: ClinVar variation 186004 (VCV000186004.16), dbSNP rs786202623, ClinGen allele CA025842.

ClinVar aggregate classification (germline): Likely benign. Review status: reviewed by expert panel (3 of 4 stars). 4 submissions from 4 submitters: Likely benign (1). 3 of the submissions do not count toward it. Last evaluated 2017-06-29.

Conditions:
Hereditary breast ovarian cancer syndrome. Also called: Hereditary breast and ovarian cancer; Hereditary breast and ovarian cancer syndrome; Breast and ovarian cancer; Hereditary breast and ovarian cancer syndrome (HBOC); Hereditary breast and/or ovarian cancer syndrome; BRCA1- and BRCA2-Associated Hereditary Breast and Ovarian Cancer. Identifiers: Orphanet 145, MedGen C0677776, MeSH D061325, MONDO:0003582. Disease mechanism: loss of function.
Hereditary cancer-predisposing syndrome. Also called: Hereditary Cancer Syndrome; Neoplastic Syndromes, Hereditary; Tumor predisposition; Hereditary neoplastic syndrome. Identifiers: Orphanet 140162, MedGen C0027672, MeSH D009386, MONDO:0015356.
Breast-ovarian cancer, familial, susceptibility to, 2 (BROVCA2). Also called: BRCA2 Hereditary Breast and Ovarian Cancer. Identifiers: Orphanet 145, MedGen C2675520, MONDO:0012933, OMIM 612555. Disease mechanism: loss of function.

Submissions (4):

Evidence-based Network for the Interpretation of Germline Mutant Alleles (ENIGMA)
Classification: Likely benign for Breast-ovarian cancer, familial, susceptibility to, 2. Last evaluated: 2017-06-29. Review status: reviewed by expert panel. Criteria: ENIGMA BRCA1/2 Classification Criteria (2017-06-29). Collection method: curation. Allele origin: germline.
Comment: Synonymous substitution variant, with low bioinformatic likelihood to result in a splicing aberration (Splicing prior probability 0.02).

Labcorp Genetics (formerly Invitae), Labcorp
Classification: Likely benign for Hereditary breast ovarian cancer syndrome. Last evaluated: 2024-06-22. Review status: criteria provided, single submitter. Criteria: Invitae Variant Classification Sherloc (09022015). Collection method: clinical testing. Allele origin: germline. Not counted in ClinVar's aggregate classification.

GeneDx
Classification: Benign. Last evaluated: 2015-03-03. Review status: criteria provided, single submitter. Criteria: GeneDx Variant Classification Process June 2021. Collection method: clinical testing. Allele origin: germline. Affected: yes. Not counted in ClinVar's aggregate classification.

Ambry Genetics
Classification: Likely benign for Hereditary cancer-predisposing syndrome. Last evaluated: 2014-08-17. Review status: criteria provided, single submitter. Criteria: Ambry Variant Classification Scheme 2023. Collection method: clinical testing. Allele origin: germline. Not counted in ClinVar's aggregate classification.